The following is an entry in ClinVar:

NM_005522.5(HOXA1):c.192CCA[7] (p.His72del)

Gene: HOXA1 (homeobox A1; minus strand). Cytogenetic location: 7p15.2.
Variant type: Microsatellite.
Coding change: c.192CCA[7] on transcript NM_005522.5 (MANE Select); seven copies in a row of the 3-base unit CCA starting at c.192; the reference has eight copies in a row; one copy, 3 bases deleted.
Protein change: p.His72del; deletes histidine 72.
Molecular consequence: inframe deletion.
Genome position (GRCh38, 1-based): chr7:27,095,698-27,095,700, TGG deleted on the plus strand (CCA on the coding strand, the reverse complement: HOXA1 is on the minus strand); deleting any 3 consecutive bases within chr7:27,095,698-27,095,721 gives the same sequence; the position shown is the placement nearest the transcript's 3' end. VCF-style (leftmost placement, unchanged base first): chr7-27095697-ATGG-A. GRCh37 (hg19) VCF-style: chr7-27135316-ATGG-A.
Other names: c.192CCA[7], p.His72del (NM_153620.3); c.213_215delCCA (NM_005522.4); short protein forms H72del.
Identifiers: ClinVar variation 588087 (VCV000588087.13), dbSNP rs747464910, ClinGen allele CA4195994.

ClinVar aggregate classification (germline): Likely benign. Review status: criteria provided, multiple submitters, no conflicts (2 of 4 stars). 4 submissions from 4 submitters: Likely benign (4). Last evaluated 2019-03-13.

Conditions:
Inborn genetic diseases. Identifiers: MedGen C0950123, MeSH D030342.

Submissions (4):

Genetic Services Laboratory, University of Chicago
Classification: Likely benign. Last evaluated: 2019-03-13. Review status: criteria provided, single submitter. Criteria: ACMG Guidelines, 2015. Collection method: clinical testing. Allele origin: germline. Affected: no.

Ambry Genetics
Classification: Likely benign for Inborn genetic diseases. Last evaluated: 2018-08-25. Review status: criteria provided, single submitter. Criteria: Ambry Variant Classification Scheme 2023. Collection method: clinical testing. Allele origin: germline.

Labcorp Genetics (formerly Invitae), Labcorp
Classification: Likely benign. Last evaluated: 2018-06-08. Review status: criteria provided, single submitter. Criteria: Invitae Variant Classification Sherloc (09022015). Collection method: clinical testing. Allele origin: germline.

GeneDx
Classification: Likely benign. Last evaluated: 2018-03-29. Review status: criteria provided, single submitter. Criteria: GeneDx Variant Classification (06012015). Collection method: clinical testing. Allele origin: germline. Affected: yes.
Comment: This variant is considered likely benign or benign based on one or more of the following criteria: it is a conservative change, it occurs at a poorly conserved position in the protein, it is predicted to be benign by multiple in silico algorithms, and/or has population frequency not consistent with disease.

Literature cited by the submitters: PubMed 16168961 (cited by Ambry Genetics); PubMed 16528738 (cited by Ambry Genetics); PubMed 22777240 (cited by Ambry Genetics).